The following is an entry in ClinVar:

ClinVar aggregate classification (germline): Benign/Likely benign. Review status: criteria provided, multiple submitters, no conflicts (2 of 4 stars). 5 submissions from 5 submitters: Benign (3); Likely benign (2). Last evaluated 2026-01-19.

Conditions:
Inborn genetic diseases. Identifiers: MedGen C0950123, MeSH D030342.
SLC35A2-congenital disorder of glycosylation. Also called: DEVELOPMENTAL AND EPILEPTIC ENCEPHALOPATHY 22; CONGENITAL DISORDER OF GLYCOSYLATION, TYPE IIm; CDG IIm; CONGENITAL DISORDER OF GLYCOSYLATION, TYPE IIm, SOMATIC MOSAIC; EPILEPTIC ENCEPHALOPATHY, EARLY INFANTILE, 22; SLC35A2-CDG. Identifiers: Orphanet 356961, MedGen C3806688, MONDO:0010478, OMIM 300896.

Allele frequency attached by ClinVar (database versions not stated): ESP Exome Variant Server 0.00028; TOPMed 0.00044; ExAC 0.00057; gnomAD exomes 0.00057 and 0.00088; gnomAD 0.00064 and 0.00069.
gnomAD v4.1: 1,048 of 1,208,994 alleles (0.087%); highest among the groups gnomAD compares: Non-Finnish European, 0.11%; no homozygotes.

Submissions (5):

Labcorp Genetics (formerly Invitae), Labcorp
Classification: Benign for SLC35A2-congenital disorder of glycosylation. Last evaluated: 2026-01-19. Review status: criteria provided, single submitter. Criteria: Invitae Variant Classification Sherloc (09022015). Collection method: clinical testing. Allele origin: germline.

Blueprint Genetics
Classification: Likely benign. Last evaluated: 2024-09-16. Review status: criteria provided, single submitter. Criteria: ACMG Guidelines, 2015. Collection method: clinical testing. Allele origin: germline.

ARUP Laboratories, Molecular Genetics and Genomics, ARUP Laboratories
Classification: Benign for SLC35A2-congenital disorder of glycosylation. Last evaluated: 2023-10-09. Review status: criteria provided, single submitter. Criteria: ARUP Molecular Germline Variant Investigation Process 2024. Collection method: clinical testing. Allele origin: germline.

Ambry Genetics
Classification: Benign for Inborn genetic diseases. Last evaluated: 2017-04-18. Review status: criteria provided, single submitter. Criteria: Ambry Variant Classification Scheme 2023. Collection method: clinical testing. Allele origin: germline.

GeneDx
Classification: Likely benign. Last evaluated: 2016-02-17. Review status: criteria provided, single submitter. Criteria: GeneDx Variant Classification (06012015). Collection method: clinical testing. Allele origin: germline. Affected: yes.
Comment: This variant is considered likely benign or benign based on one or more of the following criteria: it is a conservative change, it occurs at a poorly conserved position in the protein, it is predicted to be benign by multiple in silico algorithms, and/or has population frequency not consistent with disease.

NM_005660.3(SLC35A2):c.990C>T (p.Leu330=)

Gene: SLC35A2 (solute carrier family 35 member A2; minus strand). Cytogenetic location: Xp11.23.
Variant type: single nucleotide variant.
Coding change: c.990C>T on transcript NM_005660.3 (MANE Select); coding-DNA position 990, C replaced by T.
Protein change: p.Leu330=; no amino-acid change (leucine 330 retained).
Molecular consequence: synonymous variant. On other transcripts: intron variant (3).
Genome position (GRCh38, 1-based): chrX:48,904,919, G>A on the plus strand (C>T on the coding strand, the complement: SLC35A2 is on the minus strand). VCF-style: chrX-48904919-G-A. GRCh37 (hg19) VCF-style: chrX-48762196-G-A.
Other names: c.990C>T, p.Leu330= (NM_001042498.3); c.807C>T, p.Leu269= (NM_001282649.2); c.1029C>T, p.Leu343= (NM_001282650.2); c.1074C>T, p.Leu358= (NM_001282651.2); c.427-27C>T (NM_001282647.2, NM_001032289.3); c.355-27C>T (NM_001282648.2).
Identifiers: ClinVar variation 383041 (VCV000383041.55), dbSNP rs146079657, ClinGen allele CA10406076.